The following is an entry in ClinVar:

ClinVar aggregate classification (germline): Pathogenic (1 of 4 stars; one submission).

Conditions:
Capillary malformation-arteriovenous malformation syndrome. Also called: Capillary malformation-arteriovenous malformation. Identifiers: Orphanet 137667, MedGen C1842180, MONDO:0012016.

Submission:

Labcorp Genetics (formerly Invitae), Labcorp
Classification: Pathogenic for Capillary malformation-arteriovenous malformation syndrome. Last evaluated: 2024-07-19. Review status: criteria provided, single submitter. Criteria: Invitae Variant Classification Sherloc (09022015). Collection method: clinical testing. Allele origin: germline.
Comment: This sequence change creates a premature translational stop signal (p.Tyr416Ilefs*8) in the RASA1 gene. It is expected to result in an absent or disrupted protein product. Loss-of-function variants in RASA1 are known to be pathogenic (PMID: 24038909). This variant is not present in population databases (gnomAD no frequency). This variant has not been reported in the literature in individuals affected with RASA1-related conditions. For these reasons, this variant has been classified as Pathogenic.

Literature cited by the submitters: PubMed 24038909.

NM_002890.3(RASA1):c.1246del (p.Tyr416fs)

Genes: CCNH (cyclin H; minus strand), RASA1 (RAS p21 protein activator 1; plus strand). Cytogenetic location: 5q14.3.
Variant type: Deletion.
Coding change: c.1246del on transcript NM_002890.3 (MANE Select); coding-DNA position 1246, one base deleted (T; older notation c.1246delT).
Protein change: p.Tyr416fs; shifts the reading frame from tyrosine 416.
Molecular consequence: frameshift variant. On other transcripts: intron variant (1).
Genome position (GRCh38, 1-based): chr5:87,349,357, T deleted; the last of 2 consecutive T bases (chr5:87,349,356-87,349,357); deleting either gives the same sequence. VCF-style (leftmost placement, unchanged base first): chr5-87349355-AT-A. GRCh37 (hg19) VCF-style: chr5-86645172-AT-A.
Other names: c.715del, p.Tyr239fs (NM_022650.3); c.934-36561del (NM_001364075.2); short protein forms Y239fs, Y416fs.
Identifiers: ClinVar variation 3659852 (VCV003659852.2).